The following is an entry in ClinVar:

ClinVar aggregate classification (germline): Uncertain significance (1 of 4 stars; one submission).

Conditions:
MHC class I deficiency. Identifiers: Orphanet 34592, MedGen C6024714, MONDO:0011476.

Allele frequency attached by ClinVar (database versions not stated): gnomAD exomes below 0.00001; TOPMed below 0.00001; ExAC 0.00001.
gnomAD v4.1: 4 of 1,613,804 alleles (0.00025%); highest among the groups gnomAD compares: South Asian, 0.0044%; no homozygotes.

Submission:

Labcorp Genetics (formerly Invitae), Labcorp
Classification: Uncertain significance for MHC class I deficiency 1. Last evaluated: 2022-04-30. Review status: criteria provided, single submitter. Criteria: Invitae Variant Classification Sherloc (09022015). Collection method: clinical testing. Allele origin: germline.
Comment: This sequence change falls in intron 7 of the TAP1 gene. It does not directly change the encoded amino acid sequence of the TAP1 protein. It affects a nucleotide within the consensus splice site. This variant is present in population databases (rs769239860, gnomAD 0.003%). This variant has not been reported in the literature in individuals affected with TAP1-related conditions. Variants that disrupt the consensus splice site are a relatively common cause of aberrant splicing (PMID: 17576681, 9536098). Algorithms developed to predict the effect of sequence changes on RNA splicing suggest that this variant is not likely to affect RNA splicing. In summary, the available evidence is currently insufficient to determine the role of this variant in disease. Therefore, it has been classified as a Variant of Uncertain Significance.

Literature cited by the submitters: PubMed 17576681; PubMed 9536098.

NM_000593.6(TAP1):c.1566+5A>G

Gene: TAP1 (transporter 1, ATP binding cassette subfamily B member; minus strand). Cytogenetic location: 6p21.32.
Variant type: single nucleotide variant.
Coding change: c.1566+5A>G on transcript NM_000593.6 (MANE Select); 5 bases into the intron after coding-DNA position 1566, A replaced by G.
Molecular consequence: intron variant.
Genome position (GRCh38, 1-based): chr6:32,848,647, T>C on the plus strand (A>G on the coding strand, the complement: TAP1 is on the minus strand). VCF-style: chr6-32848647-T-C. GRCh37 (hg19) VCF-style: chr6-32816424-T-C.
Other names: c.963+5A>G (NM_001292022.2).
Identifiers: ClinVar variation 1906031 (VCV001906031.2), dbSNP rs769239860, ClinGen allele CA3746755.